The following is an entry in ClinVar:

ClinVar aggregate classification (germline): Likely pathogenic (1 of 4 stars; one submission).

Conditions:
Primary ciliary dyskinesia 5. Also called: CILIARY DYSKINESIA, PRIMARY, 5, WITHOUT SITUS INVERSUS. Identifiers: Orphanet 244, MedGen C1837615, MONDO:0012088, OMIM 608647.

Submission:

First Genomix Gene Laboratory, Genetic Diagnostics Department
Classification: Likely pathogenic for Primary ciliary dyskinesia 5. Last evaluated: 2025-01-09. Review status: criteria provided, single submitter. Criteria: ACMG Guidelines, 2015. Collection method: clinical testing. Allele origin: germline. Inheritance: Autosomal recessive inheritance. Affected: no. Observed: 1 variant allele.

NM_001270974.2(HYDIN):c.1095dup (p.Glu366Ter)

Gene: HYDIN (HYDIN axonemal central pair apparatus protein; minus strand). Cytogenetic location: 16q22.2.
Variant type: Duplication.
Coding change: c.1095dup on transcript NM_001270974.2 (MANE Select); coding-DNA position 1095, one base duplicated (T; older notation c.1095dupT).
Protein change: p.Glu366Ter; replaces glutamic acid 366 with a stop codon.
Molecular consequence: nonsense.
Genome position (GRCh38, 1-based): chr16:71,129,772, A duplicated on the plus strand (T on the coding strand, the reverse complement: HYDIN is on the minus strand); the first of 6 consecutive A bases (chr16:71,129,772-71,129,777); duplicating any one gives the same sequence. VCF-style (leftmost placement, unchanged base first): chr16-71129771-C-CA. GRCh37 (hg19) VCF-style: chr16-71163674-C-CA.
Other names: c.1176dup, p.Glu393Ter (NM_001198542.1); c.1146dup, p.Glu383Ter (NM_001198543.1); c.1095dup, p.Glu366Ter (NM_017558.5); short protein forms E366*, E383*, E393*.
Identifiers: ClinVar variation 4845751 (VCV004845751.1), dbSNP rs766668548.